The following is an entry in ClinVar:

NM_033380.3(COL4A5):c.1395del (p.Gly466fs)

Gene: COL4A5 (collagen type IV alpha 5 chain; plus strand). Cytogenetic location: Xq22.3.
Variant type: Deletion.
Coding change: c.1395del on transcript NM_033380.3 (MANE Select); coding-DNA position 1395, one base deleted (A; older notation c.1395delA).
Protein change: p.Gly466fs; shifts the reading frame from glycine 466.
Molecular consequence: frameshift variant.
Genome position (GRCh38, 1-based): chrX:108,591,616, A deleted; the last of 3 consecutive A bases (chrX:108,591,614-108,591,616); deleting any one gives the same sequence. VCF-style (leftmost placement, unchanged base first): chrX-108591613-TA-T. GRCh37 (hg19) VCF-style: chrX-107834843-TA-T.
Other names: c.1395del, p.Gly466fs (NM_000495.5); short protein forms G466fs.
Identifiers: ClinVar variation 1726872 (VCV001726872.2), dbSNP rs2524285124, ClinGen allele CA2579676176.

ClinVar aggregate classification (germline): Likely pathogenic (1 of 4 stars; one submission).

Conditions:
X-linked Alport syndrome (ATS1). Also called: NEPHROPATHY AND DEAFNESS, X-LINKED; COL4A5-Related Nephropathy. Identifiers: Orphanet 63, Orphanet 88917, MedGen C4746986, MONDO:0010520, OMIM 301050.

Submission:

Myriad Genetics, Inc.
Classification: Likely pathogenic for X-linked Alport syndrome. Last evaluated: 2022-01-02. Review status: criteria provided, single submitter. Criteria: Myriad Women's Health Autosomal Recessive and X-Linked Classification Criteria (2021). Collection method: clinical testing. Allele origin: unknown.
Comment: NM_000495.4(COL4A5):c.1395delA(G466Dfs*8) is expected to be pathogenic in the context of X-linked Alport syndrome. This variant is predicted to lead to an abnormal or absent protein product due to the creation of a premature termination codon in COL4A5, a gene where loss-of-function variants are known to be pathogenic. Please note: this variant was assessed in the context of healthy population screening.